The following is an entry in ClinVar:

NM_001365951.3(KIF1B):c.2192A>C (p.Glu731Ala)

Gene: KIF1B (kinesin family member 1B; plus strand). Cytogenetic location: 1p36.22.
Variant type: single nucleotide variant.
Coding change: c.2192A>C on transcript NM_001365951.3 (MANE Select); coding-DNA position 2192, A replaced by C.
Protein change: p.Glu731Ala; replaces glutamic acid 731 with alanine.
Molecular consequence: missense variant.
Genome position (GRCh38, 1-based): chr1:10,320,119, A>C. VCF-style: chr1-10320119-A-C. GRCh37 (hg19) VCF-style: chr1-10380177-A-C.
Other names: c.2192A>C, p.Glu731Ala (NM_001365952.1); c.2054A>C, p.Glu685Ala (NM_015074.3); short protein forms E685A, E731A.
Identifiers: ClinVar variation 2563597 (VCV002563597.2), dbSNP rs2521594962, ClinGen allele CA338332409.

ClinVar aggregate classification (germline): Uncertain significance (1 of 4 stars; one submission).

Submission:

Ambry Genetics
Classification: Uncertain significance. Last evaluated: 2023-03-27. Review status: criteria provided, single submitter. Criteria: Ambry Variant Classification Scheme 2023. Collection method: clinical testing. Allele origin: germline.
Comment: The p.E685A variant (also known as c.2054A>C), located in coding exon 20 of the KIF1B gene, results from an A to C substitution at nucleotide position 2054. The glutamic acid at codon 685 is replaced by alanine, an amino acid with dissimilar properties. This amino acid position is conserved. In addition, this alteration is predicted to be tolerated by in silico analysis. Since supporting evidence is limited at this time, the clinical significance of this alteration remains unclear.